The following is an entry in ClinVar:

NM_032608.7(MYO18B):c.866C>A (p.Pro289His)

Gene: MYO18B (myosin XVIIIB; plus strand). Cytogenetic location: 22q12.1.
Variant type: single nucleotide variant.
Coding change: c.866C>A on transcript NM_032608.7 (MANE Select); coding-DNA position 866, C replaced by A.
Protein change: p.Pro289His; replaces proline 289 with histidine.
Molecular consequence: missense variant.
Genome position (GRCh38, 1-based): chr22:25,768,782, C>A. VCF-style: chr22-25768782-C-A. GRCh37 (hg19) VCF-style: chr22-26164749-C-A.
Other names: c.866C>A, p.Pro289His (NM_001318245.2); short protein forms P289H.
Identifiers: ClinVar variation 1486147 (VCV001486147.6), dbSNP rs2145585260, ClinGen allele CA411003623.
Genomic context (GRCh38, chr22:25,768,782, plus strand): 5'-AAGCCCAAGGGCCCGGCGAGGGGGTGCGACCAGGGAAAGCAGAGAAGGAGGGAGCAGAGC[C>A]CACAAACACGGTGGAAAAGGGGAATGTCTCTAAGGACGTAGGGAGTGAAGGGAAGCACGT-3'
Protein context (NP_115997.5, residues 279-299): PGKAEKEGAE[Pro289His]TNTVEKGNVS

ClinVar aggregate classification (germline): Uncertain significance (1 of 4 stars; one submission).

Submission:

Labcorp Genetics (formerly Invitae), Labcorp
Classification: Uncertain significance. Last evaluated: 2024-12-16. Review status: criteria provided, single submitter. Criteria: Invitae Variant Classification Sherloc (09022015). Collection method: clinical testing. Allele origin: germline.
Comment: This sequence change replaces proline, which is neutral and non-polar, with histidine, which is basic and polar, at codon 289 of the MYO18B protein (p.Pro289His). This variant is not present in population databases (gnomAD no frequency). This variant has not been reported in the literature in individuals affected with MYO18B-related conditions. ClinVar contains an entry for this variant (Variation ID: 1486147). An algorithm developed to predict the effect of missense changes on protein structure and function (PolyPhen-2) suggests that this variant is likely to be disruptive. In summary, the available evidence is currently insufficient to determine the role of this variant in disease. Therefore, it has been classified as a Variant of Uncertain Significance.